The following is an entry in ClinVar:

NM_015374.3(SUN2):c.813+5G>A

Gene: SUN2 (Sad1 and UNC84 domain containing 2; minus strand). Cytogenetic location: 22q13.1.
Variant type: single nucleotide variant.
Coding change: c.813+5G>A on transcript NM_015374.3 (MANE Select); 5 bases into the intron after coding-DNA position 813, G replaced by A.
Molecular consequence: intron variant.
Genome position (GRCh38, 1-based): chr22:38,745,679, C>T on the plus strand (G>A on the coding strand, the complement: SUN2 is on the minus strand). VCF-style: chr22-38745679-C-T. GRCh37 (hg19) VCF-style: chr22-39141684-C-T.
Other names: c.321+5G>A (NM_001394443.1); c.723+5G>A (NM_001394438.1); c.675+5G>A (NM_001394439.1, NM_001394441.1, NM_001394440.1); c.614+4087G>A (NM_001394444.1, NM_001394445.1); c.813+5G>A (NM_001394442.1, NM_001394437.1, NM_001394434.1 and 6 more transcripts); c.906+5G>A (NM_001394427.1); c.876+5G>A (NM_001199579.2, NM_001394428.1); c.858+5G>A (NM_001394430.1, NM_001394429.1).
Identifiers: ClinVar variation 4810915 (VCV004810915.1).
Genomic context (GRCh38, chr22:38,745,679, plus strand): 5'-CCACCACTTTCACCGTCACCTAATTATTGCTAAGCTCTTGGGAGCTACCACCCTCAGAGA[C>T]TCACCTGGAAATGTGGCGATGAGTCTCTGGCTTCCCAGCCCTCATCCGGCCTCCTGCTGT-3'

ClinVar aggregate classification (germline): Uncertain significance (1 of 4 stars; one submission).

Conditions:
Emery-Dreifuss muscular dystrophy (EDMD). Also called: Scapuloperoneal syndrome, X-linked (formerly); Humeroperoneal neuromuscular disease, (formerly). Identifiers: Orphanet 261, MedGen C0410189, MONDO:0016830.

gnomAD v4.1: 21 of 1,613,352 alleles (0.0013%); highest among the groups gnomAD compares: South Asian, 0.021%; no homozygotes.

Submission:

Labcorp Genetics (formerly Invitae), Labcorp
Classification: Uncertain significance for Emery-Dreifuss muscular dystrophy. Last evaluated: 2025-09-23. Review status: criteria provided, single submitter. Criteria: Invitae Variant Classification Sherloc (09022015). Collection method: clinical testing. Allele origin: germline.
Comment: This sequence change falls in intron 8 of the SUN2 gene. It does not directly change the encoded amino acid sequence of the SUN2 protein. It affects a nucleotide within the consensus splice site. This variant is present in population databases (rs531049885, gnomAD 0.02%). This variant has not been reported in the literature in individuals affected with SUN2-related conditions. Variants that disrupt the consensus splice site are a relatively common cause of aberrant splicing (PMID: 17576681, 9536098). Algorithms developed to predict the effect of sequence changes on RNA splicing suggest that this variant may disrupt the consensus splice site. In summary, the available evidence is currently insufficient to determine the role of this variant in disease. Therefore, it has been classified as a Variant of Uncertain Significance.

Literature cited by the submitters: PubMed 17576681; PubMed 9536098.